The following is an entry in ClinVar:

ClinVar aggregate classification (germline): Benign (1 of 4 stars; one submission).

Allele frequency attached by ClinVar (database versions not stated): 1000 Genomes Project 30x 0.10603; 1000 Genomes Project 0.10743; TOPMed 0.12876; gnomAD 0.13542 and 0.13741.
gnomAD v4.1: 20,670 of 151,902 alleles (14%); highest among the groups gnomAD compares: Middle Eastern, 17%; 1,506 homozygotes.

Submission:

GeneDx
Classification: Benign. Last evaluated: 2018-06-14. Review status: criteria provided, single submitter. Criteria: GeneDx Variant Classification (06012015). Collection method: clinical testing. Allele origin: germline. Affected: yes.
Comment: This variant is considered likely benign or benign based on one or more of the following criteria: it is a conservative change, it occurs at a poorly conserved position in the protein, it is predicted to be benign by multiple in silico algorithms, and/or has population frequency not consistent with disease.

NM_000642.3(AGL):c.3837-172C>T

Gene: AGL (amylo-alpha-1,6-glucosidase and 4-alpha-glucanotransferase; plus strand). Cytogenetic location: 1p21.2.
Variant type: single nucleotide variant.
Coding change: c.3837-172C>T on transcript NM_000642.3 (MANE Select); 172 bases into the intron before coding-DNA position 3837, C replaced by T.
Molecular consequence: intron variant.
Genome position (GRCh38, 1-based): chr1:99,912,233, C>T. VCF-style: chr1-99912233-C-T. GRCh37 (hg19) VCF-style: chr1-100377789-C-T.
Other names: c.3837-172C>T (NM_000643.3, NM_000644.3, NM_001425325.1 and 1 more transcripts); c.3789-172C>T (NM_000646.3); c.3816-172C>T (NM_001425326.1); c.3636-172C>T (NM_001425327.1); c.3633-172C>T (NM_001425328.1); c.3498-172C>T (NM_001425329.1); c.3459-172C>T (NM_001425332.1).
Identifiers: ClinVar variation 680039 (VCV000680039.1), dbSNP rs3818568, ClinGen allele CA27555019.
Genomic context (GRCh38, chr1:99,912,233, plus strand): 5'-TCCCATTCTACATCATAGAATTTTTTAAAATTATGTGAGGATGATAGACAATGGCAAAAC[C>T]GTGAGAGGAAAAAATCTTTACATGATATAGTACACATTCCTATAGAGTAAGGATTTTTTA-3'